The following is an entry in ClinVar:

NM_001170629.2(CHD8):c.6496C>A (p.Leu2166Ile)

Gene: CHD8 (chromodomain helicase DNA binding protein 8; minus strand). Cytogenetic location: 14q11.2.
Variant type: single nucleotide variant.
Coding change: c.6496C>A on transcript NM_001170629.2 (MANE Select); coding-DNA position 6496, C replaced by A.
Protein change: p.Leu2166Ile; replaces leucine 2166 with isoleucine.
Molecular consequence: missense variant.
Genome position (GRCh38, 1-based): chr14:21,392,782, G>T on the plus strand (C>A on the coding strand, the complement: CHD8 is on the minus strand). VCF-style: chr14-21392782-G-T. GRCh37 (hg19) VCF-style: chr14-21860941-G-T.
Other names: c.5659C>A, p.Leu1887Ile (NM_020920.4); short protein forms L2166I, L1887I.
Identifiers: ClinVar variation 2006769 (VCV002006769.4), dbSNP rs773908554, ClinGen allele CA7090766.

ClinVar aggregate classification (germline): Uncertain significance (1 of 4 stars; one submission).

Allele frequency attached by ClinVar (database versions not stated): ExAC 0.00002.
gnomAD v4.1: 8 of 1,613,866 alleles (0.0005%); highest among the groups gnomAD compares: Non-Finnish European, 0.00068%; no homozygotes.

Submission:

Labcorp Genetics (formerly Invitae), Labcorp
Classification: Uncertain significance. Last evaluated: 2023-08-04. Review status: criteria provided, single submitter. Criteria: Invitae Variant Classification Sherloc (09022015). Collection method: clinical testing. Allele origin: germline.
Comment: In summary, the available evidence is currently insufficient to determine the role of this variant in disease. Therefore, it has been classified as a Variant of Uncertain Significance. ClinVar contains an entry for this variant (Variation ID: 2006769). Advanced modeling of protein sequence and biophysical properties (such as structural, functional, and spatial information, amino acid conservation, physicochemical variation, residue mobility, and thermodynamic stability) performed at Invitae indicates that this missense variant is not expected to disrupt CHD8 protein function. This variant has not been reported in the literature in individuals affected with CHD8-related conditions. This variant is present in population databases (rs773908554, gnomAD 0.003%). This sequence change replaces leucine, which is neutral and non-polar, with isoleucine, which is neutral and non-polar, at codon 2166 of the CHD8 protein (p.Leu2166Ile).